The following is an entry in ClinVar:

NM_004304.5(ALK):c.1751T>C (p.Val584Ala)

Gene: ALK (ALK receptor tyrosine kinase; minus strand). Cytogenetic location: 2p23.2.
Variant type: single nucleotide variant.
Coding change: c.1751T>C on transcript NM_004304.5 (MANE Select); coding-DNA position 1751, T replaced by C.
Protein change: p.Val584Ala; replaces valine 584 with alanine.
Molecular consequence: missense variant.
Genome position (GRCh38, 1-based): chr2:29,296,954, A>G on the plus strand (T>C on the coding strand, the complement: ALK is on the minus strand). VCF-style: chr2-29296954-A-G. GRCh37 (hg19) VCF-style: chr2-29519820-A-G.
Other names: short protein forms V584A.
Identifiers: ClinVar variation 2447097 (VCV002447097.3), dbSNP rs2465371860, ClinGen allele CA346466149.

ClinVar aggregate classification (germline): Uncertain significance. Review status: criteria provided, multiple submitters, no conflicts (2 of 4 stars). 2 submissions from 2 submitters: Uncertain significance (2). Last evaluated 2026-01-27.

Conditions:
Hereditary cancer-predisposing syndrome. Also called: Hereditary neoplastic syndrome; Tumor predisposition; Neoplastic Syndromes, Hereditary; Hereditary Cancer Syndrome. Identifiers: Orphanet 140162, MedGen C0027672, MeSH D009386, MONDO:0015356.
Neuroblastoma, susceptibility to, 3. Also called: ALK-Related Neuroblastic Tumor Susceptibility. Identifiers: Orphanet 635, MedGen C2751681, MONDO:0013083, OMIM 613014.

Submissions (2):

Labcorp Genetics (formerly Invitae), Labcorp
Classification: Uncertain significance for Neuroblastoma, susceptibility to, 3. Last evaluated: 2026-01-27. Review status: criteria provided, single submitter. Criteria: Invitae Variant Classification Sherloc (09022015). Collection method: clinical testing. Allele origin: germline.
Comment: This sequence change replaces valine, which is neutral and non-polar, with alanine, which is neutral and non-polar, at codon 584 of the ALK protein (p.Val584Ala). This variant is not present in population databases (gnomAD no frequency). This variant has not been reported in the literature in individuals affected with ALK-related conditions. ClinVar contains an entry for this variant (Variation ID: 2447097). An algorithm developed to predict the effect of missense changes on protein structure and function (PolyPhen-2) suggests that this variant is likely to be tolerated. In summary, the available evidence is currently insufficient to determine the role of this variant in disease. Therefore, it has been classified as a Variant of Uncertain Significance.

Ambry Genetics
Classification: Uncertain significance for Hereditary cancer-predisposing syndrome. Last evaluated: 2023-02-25. Review status: criteria provided, single submitter. Criteria: Ambry Variant Classification Scheme 2023. Collection method: clinical testing. Allele origin: germline.
Comment: The p.V584A variant (also known as c.1751T>C), located in coding exon 9 of the ALK gene, results from a T to C substitution at nucleotide position 1751. The valine at codon 584 is replaced by alanine, an amino acid with similar properties. This amino acid position is conserved. In addition, this alteration is predicted to be tolerated by in silico analysis. Since supporting evidence is limited at this time, the clinical significance of this alteration remains unclear.